The following is an entry in ClinVar:

NM_025074.7(FRAS1):c.10269G>T (p.Pro3423=)

Gene: FRAS1 (Fraser extracellular matrix complex subunit 1; plus strand). Cytogenetic location: 4q21.21.
Variant type: single nucleotide variant.
Coding change: c.10269G>T on transcript NM_025074.7 (MANE Select); coding-DNA position 10269, G replaced by T.
Protein change: p.Pro3423=; no amino-acid change (proline 3423 retained).
Molecular consequence: synonymous variant.
Genome position (GRCh38, 1-based): chr4:78,515,893, G>T. VCF-style: chr4-78515893-G-T. GRCh37 (hg19) VCF-style: chr4-79437047-G-T.
Other names: p.Pro3423=.
Identifiers: ClinVar variation 349796 (VCV000349796.18), dbSNP rs34806279, ClinGen allele CA2978910.
Genomic context (GRCh38, chr4:78,515,893, plus strand): 5'-CACTGCCCTGGGGCCTGGCTACGATCGCCCCTTCCAGTTTGACCCCAGCGTGCGAGAGCC[G>T]AAGACCATCCAGCTCTACAAACACCTGAACCTGAAGAGCTGCGTGTGGACCTTTGATGCT-3'
Protein context (NP_079350.5, residues 3413-3433): PFQFDPSVRE[Pro3423=]KTIQLYKHLN

ClinVar aggregate classification (germline): Benign. Review status: criteria provided, multiple submitters, no conflicts (2 of 4 stars). 5 submissions from 5 submitters: Benign (4). 1 of the submissions does not count toward it. Last evaluated 2026-02-02.

Conditions:
FRAS1-related disorder. Also called: FRAS1-related condition.
Fraser syndrome 1 (FRASRS1). Also called: CRYPTOPHTHALMOS WITH OTHER MALFORMATIONS. Identifiers: Orphanet 2052, MedGen C4551480, MONDO:0054737, OMIM 219000.

Allele frequency attached by ClinVar (database versions not stated): gnomAD 0.00927; ESP Exome Variant Server 0.00936; TOPMed 0.01020; 1000 Genomes Project 30x 0.01296; 1000 Genomes Project 0.01378.
gnomAD v4.1: 2,926 of 1,613,940 alleles (0.18%); highest among the groups gnomAD compares: African/African-American, 3.4%; 51 homozygotes.

Submissions (5):

Labcorp Genetics (formerly Invitae), Labcorp
Classification: Benign. Last evaluated: 2026-02-02. Review status: criteria provided, single submitter. Criteria: Invitae Variant Classification Sherloc (09022015). Collection method: clinical testing. Allele origin: germline.

Mayo Clinic Laboratories, Mayo Clinic
Classification: Benign. Last evaluated: 2023-10-10. Review status: criteria provided, single submitter. Criteria: ACMG Guidelines, 2015. Collection method: clinical testing. Allele origin: germline. Observed: 1 variant allele.
Comment: BS1, BS2, BP4, BP7

Illumina Laboratory Services, Illumina
Classification: Benign for Fraser syndrome 1. Last evaluated: 2018-01-13. Review status: criteria provided, single submitter. Criteria: ICSL Variant Classification Criteria 13 December 2019. Collection method: clinical testing. Allele origin: germline.
Comment: This variant was observed in the ICSL laboratory as part of a predisposition screen in an ostensibly healthy population. It had not been previously curated by ICSL or reported in the Human Gene Mutation Database (HGMD: prior to June 1st, 2018), and was therefore a candidate for classification through an automated scoring system. Utilizing variant allele frequency, disease prevalence and penetrance estimates, and inheritance mode, an automated score was calculated to assess if this variant is too frequent to cause the disease. Based on the score and internal cut-off values, a variant classified as benign is not then subjected to further curation. The score for this variant resulted in a classification of benign for this disease.

Breakthrough Genomics
Classification: Benign. Review status: criteria provided, single submitter. Criteria: ACMG Guidelines, 2015. Collection method: not provided. Allele origin: germline. Inheritance: Autosomal recessive inheritance. Affected: yes.

PreventionGenetics, part of Exact Sciences
Classification: Benign for FRAS1-related condition. Last evaluated: 2019-06-21. Review status: no assertion criteria provided. Collection method: clinical testing. Allele origin: germline. Not counted in ClinVar's aggregate classification.
Comment: This variant is classified as benign based on ACMG/AMP sequence variant interpretation guidelines (Richards et al. 2015 PMID: 25741868, with internal and published modifications).